The following is an entry in ClinVar:

NM_001256864.2(DNAJC6):c.1794G>C (p.Gln598His)

Gene: DNAJC6 (DnaJ heat shock protein family (Hsp40) member C6; plus strand). Cytogenetic location: 1p31.3.
Variant type: single nucleotide variant.
Coding change: c.1794G>C on transcript NM_001256864.2 (MANE Select); coding-DNA position 1794, G replaced by C.
Protein change: p.Gln598His; replaces glutamine 598 with histidine.
Molecular consequence: missense variant.
Genome position (GRCh38, 1-based): chr1:65,392,756, G>C. VCF-style: chr1-65392756-G-C. GRCh37 (hg19) VCF-style: chr1-65858439-G-C.
Other names: c.1584G>C, p.Gln528His (NM_001256865.2); c.1623G>C, p.Gln541His (NM_014787.4); short protein forms Q541H, Q528H, Q598H.
Identifiers: ClinVar variation 1489629 (VCV001489629.6), dbSNP rs2101614376, ClinGen allele CA340689467.
Genomic context (GRCh38, chr1:65,392,756, plus strand): 5'-TGAACTACTGAGTGACCTGTTTGGGGGTGGAGGTGCAGCTGGTCCCACCCAGGCTGGACA[G>C]TCAGGAGTGGAAGATGTGTTTCATCCTAGTGGACCTGCGTCTACCCAGTCAACACCACGC-3'
Protein context (NP_001243793.1, residues 588-608): GGAAGPTQAG[Gln598His]SGVEDVFHPS

ClinVar aggregate classification (germline): Uncertain significance (1 of 4 stars; one submission).

Conditions:
Juvenile onset Parkinson disease 19A. Also called: PARK19; DNAJC6 Parkinson Disease. Identifiers: Orphanet 391411, MedGen C3809811, MONDO:0014231, OMIM 615528.

Submission:

Labcorp Genetics (formerly Invitae), Labcorp
Classification: Uncertain significance for Juvenile onset Parkinson disease 19A. Last evaluated: 2021-11-18. Review status: criteria provided, single submitter. Criteria: Invitae Variant Classification Sherloc (09022015). Collection method: clinical testing. Allele origin: germline.
Comment: This sequence change replaces glutamine, which is neutral and polar, with histidine, which is basic and polar, at codon 598 of the DNAJC6 protein (p.Gln598His). This variant is not present in population databases (gnomAD no frequency). This variant has not been reported in the literature in individuals affected with DNAJC6-related conditions. Algorithms developed to predict the effect of missense changes on protein structure and function are either unavailable or do not agree on the potential impact of this missense change (SIFT: "Tolerated"; PolyPhen-2: "Possibly Damaging"; Align-GVGD: "Class C0"). In summary, the available evidence is currently insufficient to determine the role of this variant in disease. Therefore, it has been classified as a Variant of Uncertain Significance.